The following is an entry in ClinVar:

NM_004525.3(LRP2):c.4548A>T (p.Ile1516=)

Gene: LRP2 (LDL receptor related protein 2; minus strand). Cytogenetic location: 2q31.1.
Variant type: single nucleotide variant.
Coding change: c.4548A>T on transcript NM_004525.3 (MANE Select); coding-DNA position 4548, A replaced by T.
Protein change: p.Ile1516=; no amino-acid change (isoleucine 1516 retained).
Molecular consequence: synonymous variant.
Genome position (GRCh38, 1-based): chr2:169,237,246, T>A on the plus strand (A>T on the coding strand, the complement: LRP2 is on the minus strand). VCF-style: chr2-169237246-T-A. GRCh37 (hg19) VCF-style: chr2-170093756-T-A.
Identifiers: ClinVar variation 2024433 (VCV002024433.5), dbSNP rs1048132513, ClinGen allele CA59912314.

ClinVar aggregate classification (germline): Uncertain significance. Review status: criteria provided, multiple submitters, no conflicts (2 of 4 stars). 2 submissions from 2 submitters: Uncertain significance (2). Last evaluated 2024-04-29.

Conditions:
Donnai-Barrow syndrome. Also called: DBS/FOAR SYNDROME; FACIOOCULOACOUSTICORENAL SYNDROME. Identifiers: Orphanet 2143, MedGen C1857277, MONDO:0009104, OMIM 222448.

Submissions (2):

Fulgent Genetics
Classification: Uncertain significance for Donnai-Barrow syndrome. Last evaluated: 2024-04-29. Review status: criteria provided, single submitter. Criteria: ACMG Guidelines, 2015. Collection method: clinical testing. Allele origin: germline.

Labcorp Genetics (formerly Invitae), Labcorp
Classification: Uncertain significance. Last evaluated: 2022-08-17. Review status: criteria provided, single submitter. Criteria: Invitae Variant Classification Sherloc (09022015). Collection method: clinical testing. Allele origin: germline.
Comment: In summary, the available evidence is currently insufficient to determine the role of this variant in disease. Therefore, it has been classified as a Variant of Uncertain Significance. Algorithms developed to predict the effect of sequence changes on RNA splicing suggest that this variant may create or strengthen a splice site. This variant has not been reported in the literature in individuals affected with LRP2-related conditions. This variant is not present in population databases (gnomAD no frequency). This sequence change affects codon 1516 of the LRP2 mRNA. It is a 'silent' change, meaning that it does not change the encoded amino acid sequence of the LRP2 protein.